The following is an entry in ClinVar:

ClinVar aggregate classification (germline): Uncertain significance (1 of 4 stars; one submission).

Conditions:
Epidermodysplasia verruciformis. Identifiers: Orphanet 302, MedGen C0014522, MONDO:0009176.

Allele frequency attached by ClinVar (database versions not stated): gnomAD exomes below 0.00001.
gnomAD v4.1: 1 of 1,614,186 alleles (0.000062%); highest among the groups gnomAD compares: Non-Finnish European, 0.000085%; no homozygotes.

Submission:

Labcorp Genetics (formerly Invitae), Labcorp
Classification: Uncertain significance for Epidermodysplasia verruciformis. Last evaluated: 2022-08-31. Review status: criteria provided, single submitter. Criteria: Invitae Variant Classification Sherloc (09022015). Collection method: clinical testing. Allele origin: germline.
Comment: This variant has not been reported in the literature in individuals affected with TMC8-related conditions. This variant is not present in population databases (gnomAD no frequency). This sequence change replaces threonine, which is neutral and polar, with isoleucine, which is neutral and non-polar, at codon 150 of the TMC8 protein (p.Thr150Ile). ClinVar contains an entry for this variant (Variation ID: 1054317). In summary, the available evidence is currently insufficient to determine the role of this variant in disease. Therefore, it has been classified as a Variant of Uncertain Significance. Algorithms developed to predict the effect of missense changes on protein structure and function are either unavailable or do not agree on the potential impact of this missense change (SIFT: "Deleterious"; PolyPhen-2: "Possibly Damaging"; Align-GVGD: "Class C0").

NM_152468.5(TMC8):c.449C>T (p.Thr150Ile)

Gene: TMC8 (transmembrane channel like 8; plus strand). Cytogenetic location: 17q25.3.
Variant type: single nucleotide variant.
Coding change: c.449C>T on transcript NM_152468.5 (MANE Select); coding-DNA position 449, C replaced by T.
Protein change: p.Thr150Ile; replaces threonine 150 with isoleucine.
Molecular consequence: missense variant.
Genome position (GRCh38, 1-based): chr17:78,132,788, C>T. VCF-style: chr17-78132788-C-T. GRCh37 (hg19) VCF-style: chr17-76128869-C-T.
Other names: short protein forms T150I.
Identifiers: ClinVar variation 1054317 (VCV001054317.9), dbSNP rs1001723568, ClinGen allele CA294360046.